The following is an entry in ClinVar:

ClinVar aggregate classification (germline): Likely benign (1 of 4 stars; one submission).

Conditions:
GRIN1-related disorder. Also called: GRIN1-related condition.

gnomAD v4.1: 1 of 1,612,168 alleles (0.000062%); highest among the groups gnomAD compares: Non-Finnish European, 0.000085%; no homozygotes.

Submission:

PreventionGenetics, part of Exact Sciences
Classification: Likely benign for GRIN1-related condition. Last evaluated: 2025-10-30. Review status: criteria provided, single submitter. Criteria: ACMG Guidelines, 2015. Collection method: clinical testing. Allele origin: germline.
Comment: This variant is classified as likely benign based on ACMG/AMP sequence variant interpretation guidelines (Richards et al. 2015 PMID: 25741868, with internal and published modifications).

NM_007327.4(GRIN1):c.882G>A (p.Glu294=)

Gene: GRIN1 (glutamate ionotropic receptor NMDA type subunit 1; plus strand). Cytogenetic location: 9q34.3.
Variant type: single nucleotide variant.
Coding change: c.882G>A on transcript NM_007327.4 (MANE Select); coding-DNA position 882, G replaced by A.
Protein change: p.Glu294=; no amino-acid change (glutamic acid 294 retained).
Molecular consequence: synonymous variant.
Genome position (GRCh38, 1-based): chr9:137,156,951, G>A. VCF-style: chr9-137156951-G-A. GRCh37 (hg19) VCF-style: chr9-140051403-G-A.
Other names: c.882G>A, p.Glu294= (NM_000832.7, NM_021569.4); c.945G>A, p.Glu315= (NM_001185090.2, NM_001185091.2, NM_001437330.1 and 1 more transcripts).
Identifiers: ClinVar variation 4992416 (VCV004992416.1).